The following is an entry in ClinVar:

NM_001347721.2(DYRK1A):c.473A>G (p.Lys158Arg)

Gene: DYRK1A (dual specificity tyrosine phosphorylation regulated kinase 1A; plus strand). Cytogenetic location: 21q22.13.
Variant type: single nucleotide variant.
Coding change: c.473A>G on transcript NM_001347721.2 (MANE Select); coding-DNA position 473, A replaced by G.
Protein change: p.Lys158Arg; replaces lysine 158 with arginine.
Molecular consequence: missense variant.
Genome position (GRCh38, 1-based): chr21:37,480,810, A>G. VCF-style: chr21-37480810-A-G. GRCh37 (hg19) VCF-style: chr21-38853112-A-G.
Other names: c.473A>G, p.Lys158Arg (NM_001347722.2, NM_130436.2); c.386A>G, p.Lys129Arg (NM_001347723.2); c.500A>G, p.Lys167Arg (NM_001396.5, NM_101395.2, NM_130438.2); short protein forms K129R, K158R, K167R.
Identifiers: ClinVar variation 2716031 (VCV002716031.3), dbSNP rs1456204748, ClinGen allele CA409944655.

ClinVar aggregate classification (germline): Uncertain significance (1 of 4 stars; one submission).

Conditions:
DYRK1A-related intellectual disability syndrome (MRD7). Also called: Intellectual developmental disorder, autosomal dominant 7; DYRK1A Syndrome. Identifiers: Orphanet 464306, MedGen C5568143, MONDO:0013578, OMIM 614104.

Allele frequency attached by ClinVar (database versions not stated): gnomAD 0.00001; TOPMed 0.00001.
gnomAD v4.1: 20 of 1,602,874 alleles (0.0012%); highest among the groups gnomAD compares: Admixed American, 0.0017%; no homozygotes.

Submission:

Labcorp Genetics (formerly Invitae), Labcorp
Classification: Uncertain significance for DYRK1A-related intellectual disability syndrome. Last evaluated: 2024-08-07. Review status: criteria provided, single submitter. Criteria: Invitae Variant Classification Sherloc (09022015). Collection method: clinical testing. Allele origin: germline.
Comment: This sequence change replaces lysine, which is basic and polar, with arginine, which is basic and polar, at codon 167 of the DYRK1A protein (p.Lys167Arg). This variant is present in population databases (no rsID available, gnomAD 0.004%). This variant has not been reported in the literature in individuals affected with DYRK1A-related conditions. Advanced modeling of protein sequence and biophysical properties (such as structural, functional, and spatial information, amino acid conservation, physicochemical variation, residue mobility, and thermodynamic stability) performed at Invitae indicates that this missense variant is not expected to disrupt DYRK1A protein function with a negative predictive value of 80%. In summary, the available evidence is currently insufficient to determine the role of this variant in disease. Therefore, it has been classified as a Variant of Uncertain Significance.